The following is an entry in ClinVar:

ClinVar aggregate classification (germline): Uncertain significance. Review status: criteria provided, multiple submitters, no conflicts (2 of 4 stars). 2 submissions from 2 submitters: Uncertain significance (2). Last evaluated 2025-09-20.

Conditions:
Pulmonary arterial hypertension. Identifiers: Orphanet 182090, MedGen C2973725, MeSH D000081029, MONDO:0015924, HP:0002092.

Allele frequency attached by ClinVar (database versions not stated): ExAC 0.00001; TOPMed 0.00003; gnomAD 0.00007.
gnomAD v4.1: 19 of 1,565,764 alleles (0.0012%); highest among the groups gnomAD compares: African/African-American, 0.019%; no homozygotes.

Submissions (2):

Johns Hopkins Genomics, Johns Hopkins University
Classification: Uncertain significance for Pulmonary arterial hypertension. Last evaluated: 2025-09-20. Review status: criteria provided, single submitter. Criteria: ACMG Guidelines, 2015. Collection method: clinical testing. Allele origin: germline.
Comment: This HNMT variant (rs767467449) is rare (<0.1%) in a large population dataset (gnomAD v4.1.0: 19/1565764 total alleles; 0.001%; no homozygotes) and has been reported in ClinVar (Variation ID: 2692433). Three bioinformatic tools queried do not agree whether this substitution would be tolerated or damaging (SIFT: 0.08; PP2HumVar: 0.983; REVEL: 0.349). The glycine residue at this position is conserved across most of the vertebrate species assessed. Bioinformatic analysis predicts that this missense variant would not affect normal exon 2 splicing, although this has not been confirmed experimentally to our knowledge. Due to insufficient evidence, we consider the clinical significance of c.143G>C (p.Gly48Ala) to be uncertain at this time.

Greenwood Genetic Center Diagnostic Laboratories, Greenwood Genetic Center
Classification: Uncertain significance. Last evaluated: 2023-11-02. Review status: criteria provided, single submitter. Criteria: ACMG Guidelines, 2015. Collection method: clinical testing. Allele origin: germline. Affected: yes.
Comment: PM2

Literature cited by the submitters: PubMed 10803682 (cited by Johns Hopkins Genomics, Johns Hopkins University); PubMed 9547362 (cited by Johns Hopkins Genomics, Johns Hopkins University).

NM_006895.3(HNMT):c.143G>C (p.Gly48Ala)

Gene: HNMT (histamine N-methyltransferase; plus strand). Cytogenetic location: 2q22.1.
Variant type: single nucleotide variant.
Coding change: c.143G>C on transcript NM_006895.3 (MANE Select); coding-DNA position 143, G replaced by C.
Protein change: p.Gly48Ala; replaces glycine 48 with alanine.
Molecular consequence: missense variant.
Genome position (GRCh38, 1-based): chr2:137,970,170, G>C. VCF-style: chr2-137970170-G-C. GRCh37 (hg19) VCF-style: chr2-138727740-G-C.
Other names: c.143G>C, p.Gly48Ala (NM_001024075.3); short protein forms G48A.
Identifiers: ClinVar variation 2692433 (VCV002692433.2), dbSNP rs767467449, ClinGen allele CA1891640.